The following is an entry in ClinVar:

NM_006231.4(POLE):c.1496C>T (p.Thr499Ile)

Gene: POLE (DNA polymerase epsilon, catalytic subunit; minus strand). Cytogenetic location: 12q24.33.
Variant type: single nucleotide variant.
Coding change: c.1496C>T on transcript NM_006231.4 (MANE Select); coding-DNA position 1496, C replaced by T.
Protein change: p.Thr499Ile; replaces threonine 499 with isoleucine.
Molecular consequence: missense variant.
Genome position (GRCh38, 1-based): chr12:132,672,817, G>A on the plus strand (C>T on the coding strand, the complement: POLE is on the minus strand). VCF-style: chr12-132672817-G-A. GRCh37 (hg19) VCF-style: chr12-133249403-G-A.
Other names: short protein forms T499I.
Identifiers: ClinVar variation 1773894 (VCV001773894.8), dbSNP rs2042961569, ClinGen allele CA387357650.
Genomic context (GRCh38, chr12:132,672,817, plus strand): 5'-TTGTTGGGGAAGATGATGTTGGCGTGGAAGGCCTGCACCATCAGCAAGGCCTCACACAGA[G>A]TGCCAGAGCCCTTCCGCAGCACCTGCAAGAGAAACCAAGGCTTCCAGCCAAAAGCAACAC-3'
Protein context (NP_006222.2, residues 489-509): PDEVLRKGSG[Thr499Ile]LCEALLMVQA

ClinVar aggregate classification (germline): Uncertain significance. Review status: criteria provided, multiple submitters, no conflicts (2 of 4 stars). 3 submissions from 3 submitters: Uncertain significance (2). 1 of the submissions does not count toward it. Last evaluated 2023-11-14.

Conditions:
Hereditary cancer-predisposing syndrome. Also called: Hereditary Cancer Syndrome; Hereditary neoplastic syndrome; Neoplastic Syndromes, Hereditary; Tumor predisposition. Identifiers: Orphanet 140162, MedGen C0027672, MeSH D009386, MONDO:0015356.
POLE-related disorder. Also called: POLE-related disorders; POLE-related condition.

Allele frequency attached by ClinVar (database versions not stated): gnomAD exomes below 0.00001.

Submissions (3):

Labcorp Genetics (formerly Invitae), Labcorp
Classification: Uncertain significance. Last evaluated: 2023-11-14. Review status: criteria provided, single submitter. Criteria: Invitae Variant Classification Sherloc (09022015). Collection method: clinical testing. Allele origin: germline.
Comment: This sequence change replaces threonine, which is neutral and polar, with isoleucine, which is neutral and non-polar, at codon 499 of the POLE protein (p.Thr499Ile). This variant is not present in population databases (gnomAD no frequency). This variant has not been reported in the literature in individuals affected with POLE-related conditions. ClinVar contains an entry for this variant (Variation ID: 1773894). Advanced modeling of protein sequence and biophysical properties (such as structural, functional, and spatial information, amino acid conservation, physicochemical variation, residue mobility, and thermodynamic stability) performed at Invitae indicates that this missense variant is expected to disrupt POLE protein function with a positive predictive value of 80%. In summary, the available evidence is currently insufficient to determine the role of this variant in disease. Therefore, it has been classified as a Variant of Uncertain Significance.

Ambry Genetics
Classification: Uncertain significance for Hereditary cancer-predisposing syndrome. Last evaluated: 2021-10-13. Review status: criteria provided, single submitter. Criteria: Ambry Variant Classification Scheme 2023. Collection method: clinical testing. Allele origin: germline.
Comment: The p.T499I variant (also known as c.1496C>T), located in coding exon 15 of the POLE gene, results from a C to T substitution at nucleotide position 1496. The threonine at codon 499 is replaced by isoleucine, an amino acid with similar properties. This amino acid position is conserved. In addition, the in silico prediction for this alteration is inconclusive. Since supporting evidence is limited at this time, the clinical significance of this alteration remains unclear.

PreventionGenetics, part of Exact Sciences
Classification: Uncertain significance for POLE-related condition. Last evaluated: 2024-06-28. Review status: no assertion criteria provided. Collection method: clinical testing. Allele origin: germline. Not counted in ClinVar's aggregate classification.
Comment: The POLE c.1496C>T variant is predicted to result in the amino acid substitution p.Thr499Ile. To our knowledge, this variant has not been reported in the literature or in a large population database, indicating this variant is rare. In addition, this variant is not present in the ClinVar database. At this time, the clinical significance of this variant is uncertain due to the absence of conclusive functional and genetic evidence.